The following is an entry in ClinVar:

ClinVar aggregate classification (germline): Likely benign. Review status: criteria provided, single submitter (1 of 4 stars). 2 submissions from 2 submitters: Likely benign (1). 1 of the submissions does not count toward it. Last evaluated 2025-12-29.

Conditions:
PNPLA1-related disorder. Also called: PNPLA1-related condition.

Allele frequency attached by ClinVar (database versions not stated): gnomAD exomes 0.00001; ExAC 0.00002; TOPMed 0.00002; ESP Exome Variant Server 0.00008.
gnomAD v4.1: 16 of 1,614,118 alleles (0.00099%); highest among the groups gnomAD compares: Non-Finnish European, 0.0014%; no homozygotes.

Submissions (2):

Labcorp Genetics (formerly Invitae), Labcorp
Classification: Likely benign. Last evaluated: 2025-12-29. Review status: criteria provided, single submitter. Criteria: Invitae Variant Classification Sherloc (09022015). Collection method: clinical testing. Allele origin: germline.

PreventionGenetics, part of Exact Sciences
Classification: Likely benign for PNPLA1-related condition. Last evaluated: 2019-08-01. Review status: no assertion criteria provided. Collection method: clinical testing. Allele origin: germline. Not counted in ClinVar's aggregate classification.
Comment: This variant is classified as likely benign based on ACMG/AMP sequence variant interpretation guidelines (Richards et al. 2015 PMID: 25741868, with internal and published modifications).

NM_001374623.1(PNPLA1):c.474T>C (p.Cys158=)

Gene: PNPLA1 (patatin like domain 1, omega-hydroxyceramide transacylase; plus strand). Cytogenetic location: 6p21.31.
Variant type: single nucleotide variant.
Coding change: c.474T>C on transcript NM_001374623.1 (MANE Select); coding-DNA position 474, T replaced by C.
Protein change: p.Cys158=; no amino-acid change (cysteine 158 retained).
Molecular consequence: synonymous variant.
Genome position (GRCh38, 1-based): chr6:36,293,096, T>C. VCF-style: chr6-36293096-T-C. GRCh37 (hg19) VCF-style: chr6-36260873-T-C.
Other names: c.189T>C, p.Cys63= (NM_001145716.2, NM_173676.2); c.474T>C, p.Cys158= (NM_001145717.1).
Identifiers: ClinVar variation 3035752 (VCV003035752.3), dbSNP rs149613496, ClinGen allele CA3777718.